The following is an entry in ClinVar:

NM_004991.4(MECOM):c.991C>G (p.Pro331Ala)

Gene: MECOM (MDS1 and EVI1 complex locus; minus strand). Cytogenetic location: 3q26.2.
Variant type: single nucleotide variant.
Coding change: c.991C>G on transcript NM_004991.4 (MANE Select); coding-DNA position 991, C replaced by G.
Protein change: p.Pro331Ala; replaces proline 331 with alanine.
Molecular consequence: missense variant.
Genome position (GRCh38, 1-based): chr3:169,121,197, G>C on the plus strand (C>G on the coding strand, the complement: MECOM is on the minus strand). VCF-style: chr3-169121197-G-C. GRCh37 (hg19) VCF-style: chr3-168838985-G-C.
Other names: c.430C>G, p.Pro144Ala (NM_001366467.2, NM_001366468.2, NM_001366470.2 and 1 more transcripts); c.427C>G, p.Pro143Ala (NM_001366469.2, NM_001366471.2, NM_001366472.2 and 5 more transcripts); c.991C>G, p.Pro331Ala (NM_001366473.2, NM_001366466.2); c.622C>G, p.Pro208Ala (NM_001105077.4); short protein forms P331A, P144A, P143A, P208A.
Identifiers: ClinVar variation 4824297 (VCV004824297.1).

ClinVar aggregate classification (germline): Uncertain significance (1 of 4 stars; one submission).

Conditions:
Inborn genetic diseases. Identifiers: MedGen C0950123, MeSH D030342.

Submission:

Ambry Genetics
Classification: Uncertain significance for Inborn genetic diseases. Last evaluated: 2026-01-23. Review status: criteria provided, single submitter. Criteria: Ambry Variant Classification Scheme 2023. Collection method: clinical testing. Allele origin: germline.
Comment: The p.P331A variant (also known as c.991C>G), located in coding exon 7 of the MECOM gene, results from a C to G substitution at nucleotide position 991. The proline at codon 331 is replaced by alanine, an amino acid with highly similar properties. This amino acid position is conserved. In addition, the in silico prediction for this alteration is inconclusive. Based on the available evidence, the clinical significance of this variant remains unclear.